The following is an entry in ClinVar:

ClinVar aggregate classification (germline): Uncertain significance. Review status: criteria provided, multiple submitters, no conflicts (2 of 4 stars). 3 submissions from 3 submitters: Uncertain significance (3). Last evaluated 2025-02-03.

Conditions:
Hereditary cancer-predisposing syndrome. Also called: Tumor predisposition; Hereditary neoplastic syndrome; Neoplastic Syndromes, Hereditary; Hereditary Cancer Syndrome. Identifiers: Orphanet 140162, MedGen C0027672, MeSH D009386, MONDO:0015356.
Endometrial carcinoma. Also called: Endometrial carcinoma, somatic. Identifiers: MedGen C0476089, MONDO:0002447, OMIM 608089, HP:0012114.

Allele frequency attached by ClinVar (database versions not stated): gnomAD exomes below 0.00001; ExAC 0.00001; gnomAD 0.00001; TOPMed 0.00001; 1000 Genomes Project 30x 0.00016; 1000 Genomes Project 0.00020.
gnomAD v4.1: 5 of 1,609,054 alleles (0.00031%); highest among the groups gnomAD compares: South Asian, 0.0044%; no homozygotes.

Submissions (3):

Labcorp Genetics (formerly Invitae), Labcorp
Classification: Uncertain significance. Last evaluated: 2025-02-03. Review status: criteria provided, single submitter. Criteria: Invitae Variant Classification Sherloc (09022015). Collection method: clinical testing. Allele origin: germline.
Comment: This sequence change replaces lysine, which is basic and polar, with arginine, which is basic and polar, at codon 349 of the MSH3 protein (p.Lys349Arg). This variant is present in population databases (rs545826957, gnomAD 0.003%). This variant has not been reported in the literature in individuals affected with MSH3-related conditions. ClinVar contains an entry for this variant (Variation ID: 845608). An algorithm developed to predict the effect of missense changes on protein structure and function outputs the following: PolyPhen-2: "Benign". The arginine amino acid residue is found in multiple mammalian species, which suggests that this missense change does not adversely affect protein function. Algorithms developed to predict the effect of sequence changes on RNA splicing suggest that this variant may create or strengthen a splice site. In summary, the available evidence is currently insufficient to determine the role of this variant in disease. Therefore, it has been classified as a Variant of Uncertain Significance.

Ambry Genetics
Classification: Uncertain significance for Hereditary cancer-predisposing syndrome. Last evaluated: 2024-11-01. Review status: criteria provided, single submitter. Criteria: Ambry Variant Classification Scheme 2023. Collection method: clinical testing. Allele origin: germline.
Comment: The p.K349R variant (also known as c.1046A>G), located in coding exon 7 of the MSH3 gene, results from an A to G substitution at nucleotide position 1046. The lysine at codon 349 is replaced by arginine, an amino acid with highly similar properties. This amino acid position is conserved. In addition, this alteration is predicted to be tolerated by in silico analysis. Based on the available evidence, the clinical significance of this variant remains unclear.

Baylor Genetics
Classification: Uncertain significance for Endometrial carcinoma. Last evaluated: 2022-11-23. Review status: criteria provided, single submitter. Criteria: ACMG Guidelines, 2015. Collection method: clinical testing. Allele origin: unknown.

NM_002439.5(MSH3):c.1046A>G (p.Lys349Arg)

Gene: MSH3 (mutS homolog 3; plus strand). Cytogenetic location: 5q14.1.
Variant type: single nucleotide variant.
Coding change: c.1046A>G on transcript NM_002439.5 (MANE Select); coding-DNA position 1046, A replaced by G.
Protein change: p.Lys349Arg; replaces lysine 349 with arginine.
Molecular consequence: missense variant.
Genome position (GRCh38, 1-based): chr5:80,675,001, A>G. VCF-style: chr5-80675001-A-G. GRCh37 (hg19) VCF-style: chr5-79970820-A-G.
Other names: c.1046A>G (NM_002439.3); short protein forms K349R.
Identifiers: ClinVar variation 845608 (VCV000845608.12), dbSNP rs545826957, ClinGen allele CA3327787.